The following is an entry in ClinVar:

NM_004525.3(LRP2):c.4672G>A (p.Ala1558Thr)

Gene: LRP2 (LDL receptor related protein 2; minus strand). Cytogenetic location: 2q31.1.
Variant type: single nucleotide variant.
Coding change: c.4672G>A on transcript NM_004525.3 (MANE Select); coding-DNA position 4672, G replaced by A.
Protein change: p.Ala1558Thr; replaces alanine 1558 with threonine.
Molecular consequence: missense variant.
Genome position (GRCh38, 1-based): chr2:169,237,122, C>T on the plus strand (G>A on the coding strand, the complement: LRP2 is on the minus strand). VCF-style: chr2-169237122-C-T. GRCh37 (hg19) VCF-style: chr2-170093632-C-T.
Other names: short protein forms A1558T.
Identifiers: ClinVar variation 1430347 (VCV001430347.5), dbSNP rs769548930, ClinGen allele CA1954756.

ClinVar aggregate classification (germline): Conflicting classifications of pathogenicity. Review status: criteria provided, conflicting classifications (1 of 4 stars). 3 submissions from 3 submitters: Uncertain significance (2); Likely benign (1). Last evaluated 2023-09-13.

Conditions:
Donnai-Barrow syndrome. Also called: DBS/FOAR SYNDROME; FACIOOCULOACOUSTICORENAL SYNDROME. Identifiers: Orphanet 2143, MedGen C1857277, MONDO:0009104, OMIM 222448.

Allele frequency attached by ClinVar (database versions not stated): gnomAD exomes 0.00002 and 0.00010; TOPMed 0.00004; ExAC 0.00013; gnomAD 0.00001.
gnomAD v4.1: 36 of 1,613,810 alleles (0.0022%); highest among the groups gnomAD compares: South Asian, 0.027%; no homozygotes.

Submissions (3):

Blueprint Genetics
Classification: Likely benign. Last evaluated: 2023-09-13. Review status: criteria provided, single submitter. Criteria: ACMG Guidelines, 2015. Collection method: clinical testing. Allele origin: germline.

Labcorp Genetics (formerly Invitae), Labcorp
Classification: Uncertain significance. Last evaluated: 2022-07-19. Review status: criteria provided, single submitter. Criteria: Invitae Variant Classification Sherloc (09022015). Collection method: clinical testing. Allele origin: germline.
Comment: This sequence change replaces alanine, which is neutral and non-polar, with threonine, which is neutral and polar, at codon 1558 of the LRP2 protein (p.Ala1558Thr). This variant is present in population databases (rs769548930, gnomAD 0.1%). This variant has not been reported in the literature in individuals affected with LRP2-related conditions. ClinVar contains an entry for this variant (Variation ID: 1430347). Advanced modeling of protein sequence and biophysical properties (such as structural, functional, and spatial information, amino acid conservation, physicochemical variation, residue mobility, and thermodynamic stability) performed at Invitae indicates that this missense variant is expected to disrupt LRP2 protein function. In summary, the available evidence is currently insufficient to determine the role of this variant in disease. Therefore, it has been classified as a Variant of Uncertain Significance.

Fulgent Genetics
Classification: Uncertain significance for Donnai-Barrow syndrome. Last evaluated: 2022-05-11. Review status: criteria provided, single submitter. Criteria: ACMG Guidelines, 2015. Collection method: clinical testing. Allele origin: unknown.